The following is an entry in ClinVar:

ClinVar aggregate classification (germline): Uncertain significance (1 of 4 stars; one submission).

Conditions:
Costello syndrome (CSTLO). Also called: FCS SYNDROME; FACIOCUTANEOSKELETAL SYNDROME; HRAS-Related Costello Syndrome. Identifiers: Orphanet 3071, MedGen C0587248, MONDO:0009026, OMIM 218040.

Submission:

Labcorp Genetics (formerly Invitae), Labcorp
Classification: Uncertain significance for Costello syndrome. Last evaluated: 2023-04-22. Review status: criteria provided, single submitter. Criteria: Invitae Variant Classification Sherloc (09022015). Collection method: clinical testing. Allele origin: germline.
Comment: In summary, the available evidence is currently insufficient to determine the role of this variant in disease. Therefore, it has been classified as a Variant of Uncertain Significance. Variants that disrupt the consensus splice site are a relatively common cause of aberrant splicing (PMID: 17576681, 9536098). Algorithms developed to predict the effect of sequence changes on RNA splicing suggest that this variant is not likely to affect RNA splicing. This variant has not been reported in the literature in individuals affected with HRAS-related conditions. This variant is not present in population databases (gnomAD no frequency). This sequence change falls in intron 4 of the HRAS gene. It does not directly change the encoded amino acid sequence of the HRAS protein. It affects a nucleotide within the consensus splice site.

Literature cited by the submitters: PubMed 17576681; PubMed 9536098.

NM_005343.4(HRAS):c.450+4A>C

Genes: LRRC56 (leucine rich repeat containing 56; plus strand), HRAS (HRas proto-oncogene, GTPase; minus strand). Cytogenetic location: 11p15.5.
Variant type: single nucleotide variant.
Coding change: c.450+4A>C on transcript NM_005343.4 (MANE Select); 4 bases into the intron after coding-DNA position 450, A replaced by C.
Molecular consequence: intron variant.
Genome position (GRCh38, 1-based): chr11:533,449, T>G on the plus strand (A>C on the coding strand, the complement: HRAS is on the minus strand). VCF-style: chr11-533449-T-G. GRCh37 (hg19) VCF-style: chr11-533449-T-G.
Other names: c.450+4A>C (NM_001130442.3, NM_176795.5); c.131+4A>C (NM_001318054.2).
Identifiers: ClinVar variation 2963846 (VCV002963846.3), dbSNP rs2133986088, ClinGen allele CA2740090853.
Genomic context (GRCh38, chr11:533,449, plus strand): 5'-GCTCCCTGGCTGGGGCGGGGCGGGGCGGGTCCCTGGCTAGCTGTGGGGTGGAGAGCTGCC[T>G]CACCTGCCGGGTCTTGGCCGAGGTCTCGATGTAGGGGATGCCGTAGCTTCGGGCGAGGTC-3'